The following is an entry in ClinVar:

ClinVar aggregate classification (germline): Conflicting classifications of pathogenicity. Review status: criteria provided, conflicting classifications (1 of 4 stars). 9 submissions from 9 submitters: Uncertain significance (6); Likely benign (3). Last evaluated 2026-02-20.

Conditions:
TTN-related disorder. Also called: TTN-related condition; TTN-related disease; TTN-related disorders.
Cardiovascular phenotype. Identifiers: MedGen CN230736.
Dilated cardiomyopathy 1G (CMD1G). Identifiers: Orphanet 154, MedGen C1858763, MONDO:0011400, OMIM 604145.
Autosomal recessive limb-girdle muscular dystrophy type 2J (LGMDR10). Also called: Limb-girdle muscular dystrophy, type 2J; MUSCULAR DYSTROPHY, LIMB-GIRDLE, AUTOSOMAL RECESSIVE 10. Identifiers: Orphanet 140922, MedGen C1837342, MONDO:0012127, OMIM 608807.
Cardiomyopathy (CMYO). Also called: Cardiomyopathies. Identifiers: Orphanet 167848, MedGen C0878544, MONDO:0004994, HP:0001638. Inheritance: Various modes of inheritance.

Allele frequency attached by ClinVar (database versions not stated): gnomAD 0.00003; ESP Exome Variant Server 0.00008; TOPMed 0.00015.
gnomAD v4.1: 61 of 1,613,582 alleles (0.0038%); highest among the groups gnomAD compares: African/African-American, 0.055%; no homozygotes.

Submissions (9):

PreventionGenetics, part of Exact Sciences
Classification: Uncertain significance for TTN-related condition. Last evaluated: 2026-02-20. Review status: criteria provided, single submitter. Criteria: ACMG Guidelines, 2015. Collection method: clinical testing. Allele origin: germline.
Comment: The TTN c.86003T>C variant is predicted to result in the amino acid substitution p.Ile28668Thr. To our knowledge, this variant has not been reported in the literature. This variant is reported in 0.050% of alleles in individuals of African descent in gnomAD. At this time, the clinical significance of this variant is uncertain due to the absence of conclusive functional and genetic evidence.

Women's Health and Genetics/Laboratory Corporation of America, LabCorp
Classification: Uncertain significance. Last evaluated: 2025-03-17. Review status: criteria provided, single submitter. Criteria: LabCorp Variant Classification Summary - May 2015. Collection method: clinical testing. Allele origin: germline.

Mayo Clinic Laboratories, Mayo Clinic
Classification: Likely benign. Last evaluated: 2024-10-23. Review status: criteria provided, single submitter. Criteria: ACMG Guidelines, 2015. Collection method: clinical testing. Allele origin: germline. Observed: 1 variant allele.
Comment: BS1, BP1

GeneDx
Classification: Likely benign. Last evaluated: 2020-10-02. Review status: criteria provided, single submitter. Criteria: GeneDx Variant Classification Process June 2021. Collection method: clinical testing. Allele origin: germline. Affected: yes.

Ambry Genetics
Classification: Likely benign for Cardiovascular phenotype. Last evaluated: 2020-03-03. Review status: criteria provided, single submitter. Criteria: Ambry Variant Classification Scheme 2023. Collection method: clinical testing. Allele origin: germline.

Eurofins Ntd Llc (ga)
Classification: Uncertain significance. Last evaluated: 2018-05-23. Review status: criteria provided, single submitter. Criteria: EGL ClinVar v180209 classification definitions. Collection method: clinical testing. Allele origin: germline. Observed: 1 variant allele, 1 heterozygote.

Labcorp Genetics (formerly Invitae), Labcorp
Classification: Uncertain significance for Dilated cardiomyopathy 1G; Autosomal recessive limb-girdle muscular dystrophy type 2J. Last evaluated: 2017-12-05. Review status: criteria provided, single submitter. Criteria: Invitae Variant Classification Sherloc (09022015). Collection method: clinical testing. Allele origin: germline.

CHEO Genetics Diagnostic Laboratory, Children's Hospital of Eastern Ontario
Classification: Uncertain significance for Cardiomyopathy. Last evaluated: 2017-10-30. Review status: criteria provided, single submitter. Criteria: ACMG Guidelines, 2015. Collection method: clinical testing. Allele origin: germline. Study: Canadian Open Genetics Repository.

Laboratory for Molecular Medicine, Mass General Brigham Personalized Medicine
Classification: Uncertain significance. Last evaluated: 2013-10-10. Review status: criteria provided, single submitter. Criteria: LMM Criteria. Collection method: clinical testing. Allele origin: germline. Observed: 1 variant allele.
Comment: The Ile26100Thr variant in TTN has not been reported in individuals with cardiom yopathy but has been identified in 1/3766 African American chromosomes by the NH LBI Exome Sequencing Project. Computational analyses (biochemical amino acid properties, conservation, AlignGVGD, and SIFT) do not provide strong support for or against an impact to the protein. Additiona l information is needed to fully assess the clinical significance of the Ile2610 0Thr variant.

NM_001267550.2(TTN):c.86003T>C (p.Ile28668Thr)

Genes: TTN (titin; minus strand), TTN-AS1 (TTN antisense RNA 1; plus strand). Cytogenetic location: 2q31.2.
Variant type: single nucleotide variant.
Coding change: c.86003T>C on transcript NM_001267550.2 (MANE Select); coding-DNA position 86003, T replaced by C.
Protein change: p.Ile28668Thr; replaces isoleucine 28668 with threonine.
Molecular consequence: missense variant.
Genome position (GRCh38, 1-based): chr2:178,560,129, A>G on the plus strand (T>C on the coding strand, the complement: TTN is on the minus strand). VCF-style: chr2-178560129-A-G. GRCh37 (hg19) VCF-style: chr2-179424856-A-G.
Other names: p.Ile27027Thr; c.58808T>C, p.Ile19603Thr (NM_003319.4); c.59183T>C, p.Ile19728Thr (NM_133432.3); c.59384T>C, p.Ile19795Thr (NM_133437.4); c.81080T>C, p.Ile27027Thr (NM_001256850.1); c.78299T>C, p.Ile26100Thr (NM_133378.4); short protein forms I26100T, I28668T, I27027T, I19795T, I19728T, I19603T.
Identifiers: ClinVar variation 178179 (VCV000178179.21), dbSNP rs374022393, ClinGen allele CA181672.